The following is an entry in ClinVar:

ClinVar aggregate classification (germline): Uncertain significance (1 of 4 stars; one submission).

Submission:

Labcorp Genetics (formerly Invitae), Labcorp
Classification: Uncertain significance. Last evaluated: 2022-11-14. Review status: criteria provided, single submitter. Criteria: Invitae Variant Classification Sherloc (09022015). Collection method: clinical testing. Allele origin: germline.
Comment: In summary, the available evidence is currently insufficient to determine the role of this variant in disease. Therefore, it has been classified as a Variant of Uncertain Significance. Algorithms developed to predict the effect of missense changes on protein structure and function are either unavailable or do not agree on the potential impact of this missense change (SIFT: "Tolerated"; PolyPhen-2: "Not Available"; Align-GVGD: "Class C0"). This sequence change replaces asparagine, which is neutral and polar, with serine, which is neutral and polar, at codon 219 of the WASF1 protein (p.Asn219Ser). This variant is not present in population databases (gnomAD no frequency). This variant has not been reported in the literature in individuals affected with WASF1-related conditions.

NM_003931.3(WASF1):c.656A>G (p.Asn219Ser)

Gene: WASF1 (WASP family member 1; minus strand). Cytogenetic location: 6q21.
Variant type: single nucleotide variant.
Coding change: c.656A>G on transcript NM_003931.3 (MANE Select); coding-DNA position 656, A replaced by G.
Protein change: p.Asn219Ser; replaces asparagine 219 with serine.
Molecular consequence: missense variant.
Genome position (GRCh38, 1-based): chr6:110,105,464, T>C on the plus strand (A>G on the coding strand, the complement: WASF1 is on the minus strand). VCF-style: chr6-110105464-T-C. GRCh37 (hg19) VCF-style: chr6-110426667-T-C.
Other names: c.656A>G, p.Asn219Ser (NM_001024934.2, NM_001024935.2, NM_001024936.2); short protein forms N219S.
Identifiers: ClinVar variation 2811664 (VCV002811664.3), dbSNP rs2534221339, ClinGen allele CA365350810.